The following is an entry in ClinVar:

ClinVar aggregate classification (germline): Benign. Review status: criteria provided, multiple submitters, no conflicts (2 of 4 stars). 13 submissions from 13 submitters: Benign (10). 3 of the submissions do not count toward it. Last evaluated 2026-09-01.

Conditions:
Collagen 6-related myopathy. Identifiers: MedGen CN117976, MONDO:0100225.
Bethlem myopathy 1A. Also called: MYOPATHY, BENIGN CONGENITAL, WITH CONTRACTURES; Bethlem myopathy 1; Bethlem Muscular Dystrophy. Identifiers: Orphanet 610, MedGen CN029274, MONDO:0024530, OMIM 158810.

Allele frequency attached by ClinVar (database versions not stated): 1000 Genomes Project 30x 0.00390; gnomAD exomes 0.00744 and 0.00590; TOPMed 0.00377; gnomAD 0.00503 and 0.00534; ExAC 0.00747; ESP Exome Variant Server 0.00200; 1000 Genomes Project 0.00359.
gnomAD v4.1: 9,501 of 1,614,200 alleles (0.59%); highest among the groups gnomAD compares: Middle Eastern, 1.4%; 67 homozygotes.

Submissions (13):

CeGaT Center for Human Genetics Tuebingen
Classification: Benign. Last evaluated: 2026-09-01. Review status: criteria provided, single submitter. Criteria: CeGaT Center For Human Genetics Tuebingen Variant Classification Criteria Version 2. Collection method: clinical testing. Allele origin: germline. Affected: yes. Observed: 31 variant alleles.
Comment: COL6A3: BP4, BS1, BS2

Labcorp Genetics (formerly Invitae), Labcorp
Classification: Benign for Bethlem myopathy 1A. Last evaluated: 2026-02-01. Review status: criteria provided, single submitter. Criteria: Invitae Variant Classification Sherloc (09022015). Collection method: clinical testing. Allele origin: germline.

Athena Diagnostics
Classification: Benign. Last evaluated: 2025-04-08. Review status: criteria provided, single submitter. Criteria: Athena Diagnostics Criteria. Collection method: clinical testing. Allele origin: unknown.
Comment: The frequency of this variant in the general population is higher than would generally be expected for pathogenic variants in this gene. Computational tools predict this amino acid change may be benign.

Mayo Clinic Laboratories, Mayo Clinic
Classification: Benign. Last evaluated: 2018-03-09. Review status: criteria provided, single submitter. Criteria: ACMG Guidelines, 2015. Collection method: clinical testing. Allele origin: germline. Observed: 11 variant alleles.

Illumina Laboratory Services, Illumina
Classification: Benign for Collagen VI-related myopathy. Last evaluated: 2018-01-12. Review status: criteria provided, single submitter. Criteria: ICSL Variant Classification Criteria 13 December 2019. Collection method: clinical testing. Allele origin: germline.
Comment: This variant was observed in the ICSL laboratory as part of a predisposition screen in an ostensibly healthy population. It had not been previously curated by ICSL or reported in the Human Gene Mutation Database (HGMD: prior to June 1st, 2018), and was therefore a candidate for classification through an automated scoring system. Utilizing variant allele frequency, disease prevalence and penetrance estimates, and inheritance mode, an automated score was calculated to assess if this variant is too frequent to cause the disease. Based on the score and internal cut-off values, a variant classified as benign is not then subjected to further curation. The score for this variant resulted in a classification of benign for this disease.

GeneDx
Classification: Benign. Last evaluated: 2016-05-11. Review status: criteria provided, single submitter. Criteria: GeneDx Variant Classification (06012015). Collection method: clinical testing. Allele origin: germline. Affected: yes.
Comment: This variant is considered likely benign or benign based on one or more of the following criteria: it is a conservative change, it occurs at a poorly conserved position in the protein, it is predicted to be benign by multiple in silico algorithms, and/or has population frequency not consistent with disease.

Genetic Services Laboratory, University of Chicago
Classification: Benign. Last evaluated: 2016-05-05. Review status: criteria provided, single submitter. Criteria: ACMG Guidelines, 2015. Collection method: clinical testing. Allele origin: germline. Affected: no.

PreventionGenetics, part of Exact Sciences
Classification: Benign. Last evaluated: 2016-02-09. Review status: criteria provided, single submitter. Criteria: ACMG Guidelines, 2015. Collection method: clinical testing. Allele origin: germline.

Eurofins Ntd Llc (ga)
Classification: Benign. Last evaluated: 2012-11-05. Review status: criteria provided, single submitter. Criteria: EGL Classification Definitions 2015. Collection method: clinical testing. Allele origin: germline. Observed: 1 variant allele, 1 heterozygote.

Breakthrough Genomics
Classification: Benign. Review status: criteria provided, single submitter. Criteria: ACMG Guidelines, 2015. Collection method: not provided. Allele origin: germline. Inheritance: Autosomal recessive inheritance. Affected: yes.

Clinical Genetics, Academic Medical Center
Classification: Benign. Review status: no assertion criteria provided. Collection method: clinical testing. Allele origin: germline. Affected: yes. Study: VKGL Data-share Consensus. Not counted in ClinVar's aggregate classification.

Genome Diagnostics Laboratory, University Medical Center Utrecht
Classification: Likely benign. Review status: no assertion criteria provided. Collection method: clinical testing. Allele origin: germline. Affected: yes. Study: VKGL Data-share Consensus. Not counted in ClinVar's aggregate classification.

Laboratory of Diagnostic Genome Analysis, Leiden University Medical Center (LUMC)
Classification: Likely benign. Review status: no assertion criteria provided. Collection method: clinical testing. Allele origin: germline. Affected: yes. Study: VKGL Data-share Consensus. Not counted in ClinVar's aggregate classification.

Literature cited by the submitters: PubMed 15563506 (cited by Athena Diagnostics); PubMed 15689448 (cited by Athena Diagnostics).

NM_004369.4(COL6A3):c.1475C>G (p.Thr492Ser)

Gene: COL6A3 (collagen type VI alpha 3 chain; minus strand). Cytogenetic location: 2q37.3.
Variant type: single nucleotide variant.
Coding change: c.1475C>G on transcript NM_004369.4 (MANE Select); coding-DNA position 1475, C replaced by G.
Protein change: p.Thr492Ser; replaces threonine 492 with serine.
Molecular consequence: missense variant.
Genome position (GRCh38, 1-based): chr2:237,381,337, G>C on the plus strand (C>G on the coding strand, the complement: COL6A3 is on the minus strand). VCF-style: chr2-237381337-G-C. GRCh37 (hg19) VCF-style: chr2-238289980-G-C.
Other names: c.254C>G, p.Thr85Ser (NM_057164.5, NM_057166.5); c.857C>G, p.Thr286Ser (NM_057165.5, NM_057167.4); short protein forms T85S, T286S.
Identifiers: ClinVar variation 94908 (VCV000094908.53), dbSNP rs113897824, ClinGen allele CA147916.